The following is an entry in ClinVar:

ClinVar aggregate classification (germline): Uncertain significance (1 of 4 stars; one submission).

Conditions:
Charcot-Marie-Tooth disease type 4. Also called: Charcot-Marie-Tooth disease, type IV; Charcot-Marie-Tooth, Type 4. Identifiers: Orphanet 64749, MedGen C4082197, MONDO:0018995.

gnomAD v4.1: 2 of 1,614,062 alleles (0.00012%); highest among the groups gnomAD compares: African/African-American, 0.0013%; no homozygotes.

Submission:

Labcorp Genetics (formerly Invitae), Labcorp
Classification: Uncertain significance for Charcot-Marie-Tooth disease type 4. Last evaluated: 2024-09-28. Review status: criteria provided, single submitter. Criteria: Invitae Variant Classification Sherloc (09022015). Collection method: clinical testing. Allele origin: germline.
Comment: This sequence change replaces threonine, which is neutral and polar, with serine, which is neutral and polar, at codon 1054 of the SBF2 protein (p.Thr1054Ser). This variant is not present in population databases (gnomAD no frequency). This variant has not been reported in the literature in individuals affected with SBF2-related conditions. Invitae Evidence Modeling of protein sequence and biophysical properties (such as structural, functional, and spatial information, amino acid conservation, physicochemical variation, residue mobility, and thermodynamic stability) indicates that this missense variant is not expected to disrupt SBF2 protein function with a negative predictive value of 80%. In summary, the available evidence is currently insufficient to determine the role of this variant in disease. Therefore, it has been classified as a Variant of Uncertain Significance.

NM_030962.4(SBF2):c.3160A>T (p.Thr1054Ser)

Genes: SBF2 (SET binding factor 2; minus strand), LOC101928008 (uncharacterized LOC101928008; plus strand). Cytogenetic location: 11p15.4.
Variant type: single nucleotide variant.
Coding change: c.3160A>T on transcript NM_030962.4 (MANE Select); coding-DNA position 3160, A replaced by T.
Protein change: p.Thr1054Ser; replaces threonine 1054 with serine.
Molecular consequence: missense variant.
Genome position (GRCh38, 1-based): chr11:9,842,721, T>A on the plus strand (A>T on the coding strand, the complement: SBF2 is on the minus strand). VCF-style: chr11-9842721-T-A. GRCh37 (hg19) VCF-style: chr11-9864268-T-A.
Other names: c.3160A>T, p.Thr1054Ser (NM_001386339.1); c.3031A>T, p.Thr1011Ser (NM_001386342.1); c.3196A>T, p.Thr1066Ser (NM_001424318.1, NM_001425069.1, NM_001425070.1); short protein forms T1066S, T1011S, T1054S.
Identifiers: ClinVar variation 3666151 (VCV003666151.2).